The following is an entry in ClinVar:

NM_201384.3(PLEC):c.10049T>C (p.Leu3350Pro)

Gene: PLEC (plectin; minus strand). Cytogenetic location: 8q24.3.
Variant type: single nucleotide variant.
Coding change: c.10049T>C on transcript NM_201384.3 (MANE Select); coding-DNA position 10049, T replaced by C.
Protein change: p.Leu3350Pro; replaces leucine 3350 with proline.
Molecular consequence: missense variant.
Genome position (GRCh38, 1-based): chr8:143,919,772, A>G on the plus strand (T>C on the coding strand, the complement: PLEC is on the minus strand). VCF-style: chr8-143919772-A-G. GRCh37 (hg19) VCF-style: chr8-144993940-A-G.
Other names: c.10130T>C, p.Leu3377Pro (NM_000445.5); c.10007T>C, p.Leu3336Pro (NM_201378.4); c.9983T>C, p.Leu3328Pro (NM_201379.3); c.10460T>C, p.Leu3487Pro (NM_201380.4); c.9953T>C, p.Leu3318Pro (NM_201381.3); c.10049T>C, p.Leu3350Pro (NM_201382.4); c.10061T>C, p.Leu3354Pro (NM_201383.3); short protein forms L3318P, L3328P, L3336P, L3350P, L3354P, L3377P, L3487P.
Identifiers: ClinVar variation 448045 (VCV000448045.14), dbSNP rs186417404, ClinGen allele CA4924772.
Genomic context (GRCh38, chr8:143,919,772, plus strand): 5'-GACACCTTCTCCTTGGTGTCCTCCAGGTAGATGCCGGCGAGGCAGCCACTGCCCTGCAGC[A>G]GCGTCCGCACGGAGCCCAGCTCCGAAAGGTCCTTGACCGTCGTCTTGCCGTCCTTGAGCT-3'
Protein context (NP_958786.1, residues 3340-3360): DLSELGSVRT[Leu3350Pro]LQGSGCLAGI

ClinVar aggregate classification (germline): Uncertain significance. Review status: criteria provided, multiple submitters, no conflicts (2 of 4 stars). 5 submissions from 5 submitters: Uncertain significance (5). Last evaluated 2025-08-24.

Conditions:
Autosomal recessive limb-girdle muscular dystrophy type 2Q (LGMDR17). Also called: MUSCULAR DYSTROPHY, LIMB-GIRDLE, AUTOSOMAL RECESSIVE 17. Identifiers: Orphanet 254361, MedGen C3150989, MONDO:0013390, OMIM 613723.
Epidermolysis bullosa simplex with nail dystrophy (EBS5D). Identifiers: MedGen C4225309, MONDO:0014661, OMIM 616487.
Epidermolysis bullosa simplex 5C, with pyloric atresia (EBS5C). Also called: PLEC1-Related Epidermolysis Bullosa with Pyloric Atresia; PLEC-Related Epidermolysis Bullosa with Pyloric Atresia; Epidermolysis bullosa simplex with pyloric atresia. Identifiers: Orphanet 158684, MedGen C2677349, MONDO:0012807, OMIM 612138.
Epidermolysis bullosa simplex, Ogna type (EBS5A). Also called: Pidermolysis bullosa simplex 5A, Ogna type; EPIDERMOLYSIS BULLOSA SIMPLEX 5A, OGNA TYPE. Identifiers: Orphanet 79401, MedGen C0432317, MONDO:0007555, OMIM 131950.
Epidermolysis bullosa simplex 5B, with muscular dystrophy (EBS5B). Also called: Epidermolysis bullosa simplex with muscular dystrophy; EPIDERMOLYSIS BULLOSA SIMPLEX AND LIMB-GIRDLE MUSCULAR DYSTROPHY. Identifiers: Orphanet 257, MedGen C2931072, MONDO:0009181, OMIM 226670.
Inborn genetic diseases. Identifiers: MedGen C0950123, MeSH D030342.

Allele frequency attached by ClinVar (database versions not stated): gnomAD 0.00005 and 0.00010; gnomAD exomes 0.00005 and 0.00013; TOPMed 0.00011; ExAC 0.00015; 1000 Genomes Project 0.00060; 1000 Genomes Project 30x 0.00078.
gnomAD v4.1: 91 of 1,611,540 alleles (0.0056%); highest among the groups gnomAD compares: South Asian, 0.079%; no homozygotes.

Submissions (5):

Labcorp Genetics (formerly Invitae), Labcorp
Classification: Uncertain significance for Autosomal recessive limb-girdle muscular dystrophy type 2Q; Epidermolysis bullosa simplex, Ogna type; Epidermolysis bullosa simplex with nail dystrophy; Epidermolysis bullosa simplex 5C, with pyloric atresia; Epidermolysis bullosa simplex 5B, with muscular dystrophy. Last evaluated: 2025-08-24. Review status: criteria provided, single submitter. Criteria: Invitae Variant Classification Sherloc (09022015). Collection method: clinical testing. Allele origin: germline.
Comment: This sequence change replaces leucine, which is neutral and non-polar, with proline, which is neutral and non-polar, at codon 3377 of the PLEC protein (p.Leu3377Pro). This variant is present in population databases (rs186417404, gnomAD 0.09%). This variant has not been reported in the literature in individuals affected with PLEC-related conditions. ClinVar contains an entry for this variant (Variation ID: 448045). An algorithm developed to predict the effect of missense changes on protein structure and function (PolyPhen-2) suggests that this variant is likely to be disruptive. In summary, the available evidence is currently insufficient to determine the role of this variant in disease. Therefore, it has been classified as a Variant of Uncertain Significance.

Blueprint Genetics
Classification: Uncertain significance. Last evaluated: 2024-04-03. Review status: criteria provided, single submitter. Criteria: ACMG Guidelines, 2015. Collection method: clinical testing. Allele origin: germline.

Ambry Genetics
Classification: Uncertain significance for Inborn genetic diseases. Last evaluated: 2023-12-21. Review status: criteria provided, single submitter. Criteria: Ambry Variant Classification Scheme 2023. Collection method: clinical testing. Allele origin: germline.

Revvity Omics, Revvity
Classification: Uncertain significance. Last evaluated: 2019-10-16. Review status: criteria provided, single submitter. Criteria: ACMG Guidelines, 2015. Collection method: clinical testing. Allele origin: germline.

Athena Diagnostics
Classification: Uncertain significance. Last evaluated: 2016-09-13. Review status: criteria provided, single submitter. Criteria: Athena Diagnostics Criteria. Collection method: clinical testing. Allele origin: germline.